The following is an entry in ClinVar:

ClinVar aggregate classification (germline): Pathogenic. Review status: criteria provided, multiple submitters, no conflicts (2 of 4 stars). 2 submissions from 2 submitters: Pathogenic (2). Last evaluated 2025-12-03.

Conditions:
Osteogenesis imperfecta type I (OI1). Also called: OI, TYPE I; OSTEOGENESIS IMPERFECTA TARDA; OSTEOGENESIS IMPERFECTA WITH BLUE SCLERAE; Classic Non-deforming Osteogenesis Imperfecta with Blue Sclerae; Osteogenesis imperfecta type 1; Lobstein's Disease. Identifiers: Orphanet 216796, Orphanet 666, MedGen C0023931, MONDO:0008146, OMIM 166200. Disease mechanism: loss of function.
Ehlers-Danlos syndrome, classic type, 1 (EDSCL1). Also called: EHLERS-DANLOS SYNDROME, GRAVIS TYPE; EHLERS-DANLOS SYNDROME, SEVERE CLASSIC TYPE; Ehlers-Danlos syndrome, type 1; Ehlers-Danlos Syndrome, Classic Type, COL5A1-Related; EDS I. Identifiers: MedGen C0268335, MONDO:0019567, OMIM 130000.

Submissions (2):

Labcorp Genetics (formerly Invitae), Labcorp
Classification: Pathogenic for Osteogenesis imperfecta type I; Ehlers-Danlos syndrome, classic type, 1. Last evaluated: 2025-12-03. Review status: criteria provided, single submitter. Criteria: Invitae Variant Classification Sherloc (09022015). Collection method: clinical testing. Allele origin: germline.
Comment: This sequence change replaces glycine, which is neutral and non-polar, with cysteine, which is neutral and slightly polar, at codon 658 of the COL1A2 protein (p.Gly658Cys). This variant is not present in population databases (gnomAD no frequency). This missense change has been observed in individual(s) with clinical features of autosomal dominant osteogenesis imperfecta (internal data). ClinVar contains an entry for this variant (Variation ID: 1203633). This variant disrupts the triple helix domain of COL1A2. Glycine residues within the Gly-Xaa-Yaa repeats of the triple helix domain are required for the structure and stability of fibrillar collagens (PMID: 7695699, 8218237, 19344236). In COL1A2, variants affecting these glycine residues are significantly enriched in individuals with disease (PMID: 9016532, 17078022) compared to the general population (ExAC). For these reasons, this variant has been classified as Pathogenic.

GeneDx
Classification: Pathogenic. Last evaluated: 2024-01-22. Review status: criteria provided, single submitter. Criteria: GeneDx Variant Classification Process June 2021. Collection method: clinical testing. Allele origin: germline. Affected: yes.
Comment: Has not been previously published as pathogenic or benign to our knowledge; Not observed in large population cohorts (gnomAD); In silico analysis supports that this missense variant has a deleterious effect on protein structure/function; Occurs in the triple helical domain and replaces the glycine in the canonical GlyX-Y repeat; missense substitution of a canonical glycine residue is expected to disrupt normal protein folding and function, and this is an established mechanism of disease (HGMD)

Literature cited by the submitters: PubMed 7695699 (cited by Labcorp Genetics (formerly Invitae), Labcorp); PubMed 8218237 (cited by Labcorp Genetics (formerly Invitae), Labcorp); PubMed 19344236 (cited by Labcorp Genetics (formerly Invitae), Labcorp); PubMed 9016532 (cited by Labcorp Genetics (formerly Invitae), Labcorp); PubMed 17078022 (cited by Labcorp Genetics (formerly Invitae), Labcorp).

NM_000089.4(COL1A2):c.1972G>T (p.Gly658Cys)

Gene: COL1A2 (collagen type I alpha 2 chain; plus strand). Cytogenetic location: 7q21.3.
Variant type: single nucleotide variant.
Coding change: c.1972G>T on transcript NM_000089.4 (MANE Select); coding-DNA position 1972, G replaced by T.
Protein change: p.Gly658Cys; replaces glycine 658 with cysteine.
Molecular consequence: missense variant.
Genome position (GRCh38, 1-based): chr7:94,418,499, G>T. VCF-style: chr7-94418499-G-T. GRCh37 (hg19) VCF-style: chr7-94047811-G-T.
Other names: short protein forms G658C.
Identifiers: ClinVar variation 1203633 (VCV001203633.5), dbSNP rs2115924247, ClinGen allele CA368222986.
Genomic context (GRCh38, chr7:94,418,499, plus strand): 5'-TAATTTCGATTCAAAATTTTGGTCAGAAAACAAAAAGTTGCTCTTGCTTTATACTTTCAG[G>T]GTGAACCTGGTCTCAGAGGTGAAATTGGTAACCCTGGCAGAGATGGTGCTCGTGTGAGTA-3'
Protein context (NP_000080.2, residues 648-668): AGIPGGKGEK[Gly658Cys]EPGLRGEIGN